The following is an entry in ClinVar:

NM_001370259.2(MEN1):c.382A>C (p.Ser128Arg)

Gene: MEN1 (menin 1; minus strand). Cytogenetic location: 11q13.1.
Variant type: single nucleotide variant.
Coding change: c.382A>C on transcript NM_001370259.2 (MANE Select); coding-DNA position 382, A replaced by C.
Protein change: p.Ser128Arg; replaces serine 128 with arginine.
Molecular consequence: missense variant. On other transcripts: non-coding transcript variant (4).
Genome position (GRCh38, 1-based): chr11:64,809,728, T>G on the plus strand (A>C on the coding strand, the complement: MEN1 is on the minus strand). VCF-style: chr11-64809728-T-G. GRCh37 (hg19) VCF-style: chr11-64577200-T-G.
Other names: c.382A>C, p.Ser128Arg (NM_000244.4, NM_001370251.2, NM_001370260.2 and 20 more transcripts); short protein forms S128R.
Identifiers: ClinVar variation 3394995 (VCV003394995.2).

ClinVar aggregate classification (germline): Uncertain significance (1 of 4 stars; one submission).

Conditions:
Hereditary cancer-predisposing syndrome. Also called: Tumor predisposition; Hereditary Cancer Syndrome; Hereditary neoplastic syndrome; Neoplastic Syndromes, Hereditary. Identifiers: Orphanet 140162, MedGen C0027672, MeSH D009386, MONDO:0015356.

Submission:

Ambry Genetics
Classification: Uncertain significance for Hereditary cancer-predisposing syndrome. Last evaluated: 2026-07-16. Review status: criteria provided, single submitter. Criteria: Ambry Variant Classification Scheme 2023. Collection method: clinical testing. Allele origin: germline.
Comment: The p.S128R variant (also known as c.382A>C), located in coding exon 1 of the MEN1 gene, results from an A to C substitution at nucleotide position 382. The serine at codon 128 is replaced by arginine, an amino acid with dissimilar properties. This amino acid position is conserved. In addition, this alteration is predicted to be deleterious by in silico analysis. Based on the available evidence, the clinical significance of this variant remains unclear.